The following is an entry in ClinVar:

ClinVar aggregate classification (germline): Uncertain significance (1 of 4 stars; one submission).

Conditions:
Charcot-Marie-Tooth disease axonal type 2O. Also called: CHARCOT-MARIE-TOOTH NEUROPATHY, AXONAL, TYPE 2O; CHARCOT-MARIE-TOOTH DISEASE, AXONAL, AUTOSOMAL DOMINANT, TYPE 2O; Charcot-Marie-Tooth disease, axonal, type 20; Charcot-Marie-Tooth Neuropathy Type 2O. Identifiers: Orphanet 284232, MedGen C3280220, MONDO:0013644, OMIM 614228.

Allele frequency attached by ClinVar (database versions not stated): TOPMed below 0.00001; gnomAD 0.00001.
gnomAD v4.1: 2 of 1,614,098 alleles (0.00012%); highest among the groups gnomAD compares: Admixed American, 0.0017%; no homozygotes.

Submission:

Labcorp Genetics (formerly Invitae), Labcorp
Classification: Uncertain significance for Charcot-Marie-Tooth disease axonal type 2O. Last evaluated: 2022-02-09. Review status: criteria provided, single submitter. Criteria: Invitae Variant Classification Sherloc (09022015). Collection method: clinical testing. Allele origin: germline.
Comment: In summary, the available evidence is currently insufficient to determine the role of this variant in disease. Therefore, it has been classified as a Variant of Uncertain Significance. Advanced modeling of protein sequence and biophysical properties (such as structural, functional, and spatial information, amino acid conservation, physicochemical variation, residue mobility, and thermodynamic stability) performed at Invitae indicates that this missense variant is not expected to disrupt DYNC1H1 protein function. This variant has not been reported in the literature in individuals affected with DYNC1H1-related conditions. This variant is not present in population databases (gnomAD no frequency). This sequence change replaces lysine, which is basic and polar, with glutamic acid, which is acidic and polar, at codon 3718 of the DYNC1H1 protein (p.Lys3718Glu).

NM_001376.5(DYNC1H1):c.11152A>G (p.Lys3718Glu)

Gene: DYNC1H1 (dynein cytoplasmic 1 heavy chain 1; plus strand). Cytogenetic location: 14q32.31.
Variant type: single nucleotide variant.
Coding change: c.11152A>G on transcript NM_001376.5 (MANE Select); coding-DNA position 11152, A replaced by G.
Protein change: p.Lys3718Glu; replaces lysine 3718 with glutamic acid.
Molecular consequence: missense variant.
Genome position (GRCh38, 1-based): chr14:102,038,794, A>G. VCF-style: chr14-102038794-A-G. GRCh37 (hg19) VCF-style: chr14-102505131-A-G.
Other names: short protein forms K3718E.
Identifiers: ClinVar variation 2095815 (VCV002095815.4), dbSNP rs2048607796, ClinGen allele CA391032634.